The following is an entry in ClinVar:

ClinVar aggregate classification (germline): Conflicting classifications of pathogenicity. Review status: criteria provided, conflicting classifications (1 of 4 stars). 4 submissions from 4 submitters: Uncertain significance (2); Likely benign (2). Last evaluated 2024-10-22.

Conditions:
NPHP4-related disorder. Also called: NPHP4-related disorders; NPHP4-related condition. Identifiers: MedGen CN239384.
Nephronophthisis. Also called: Juvenile Nephronophthisis. Identifiers: Orphanet 655, MedGen C0687120, MONDO:0019005, HP:0000090.
Senior-Loken syndrome 4 (SLSN4). Identifiers: Orphanet 3156, MedGen C1846979, MONDO:0011756, OMIM 606996.
Nephronophthisis 4 (NPHP4). Also called: NEPHRONOPHTHISIS 4, JUVENILE. Identifiers: Orphanet 655, MedGen C1847013, MONDO:0011752, OMIM 606966.

Allele frequency attached by ClinVar (database versions not stated): TOPMed 0.00001; gnomAD 0.00002; gnomAD exomes 0.00002 and 0.00009; ExAC 0.00004.
gnomAD v4.1: 132 of 1,606,374 alleles (0.0082%); highest among the groups gnomAD compares: Non-Finnish European, 0.011%; no homozygotes.

Submissions (4):

PreventionGenetics, part of Exact Sciences
Classification: Likely benign for NPHP4-related condition. Last evaluated: 2024-10-22. Review status: criteria provided, single submitter. Criteria: ACMG Guidelines, 2015. Collection method: clinical testing. Allele origin: germline.
Comment: This variant is classified as likely benign based on ACMG/AMP sequence variant interpretation guidelines (Richards et al. 2015 PMID: 25741868, with internal and published modifications).

Blueprint Genetics
Classification: Likely benign. Last evaluated: 2024-10-11. Review status: criteria provided, single submitter. Criteria: ACMG Guidelines, 2015. Collection method: clinical testing. Allele origin: germline.

Labcorp Genetics (formerly Invitae), Labcorp
Classification: Uncertain significance for Nephronophthisis. Last evaluated: 2022-04-06. Review status: criteria provided, single submitter. Criteria: Invitae Variant Classification Sherloc (09022015). Collection method: clinical testing. Allele origin: germline.
Comment: This sequence change falls in intron 17 of the NPHP4 gene. It does not directly change the encoded amino acid sequence of the NPHP4 protein. It affects a nucleotide within the consensus splice site. This variant is present in population databases (rs751418752, gnomAD 0.005%). This variant has not been reported in the literature in individuals affected with NPHP4-related conditions. ClinVar contains an entry for this variant (Variation ID: 1054514). Variants that disrupt the consensus splice site are a relatively common cause of aberrant splicing (PMID: 17576681, 9536098). Algorithms developed to predict the effect of sequence changes on RNA splicing suggest that this variant is not likely to affect RNA splicing. In summary, the available evidence is currently insufficient to determine the role of this variant in disease. Therefore, it has been classified as a Variant of Uncertain Significance.

Fulgent Genetics
Classification: Uncertain significance for Nephronophthisis 4; Senior-Loken syndrome 4. Last evaluated: 2021-10-14. Review status: criteria provided, single submitter. Criteria: ACMG Guidelines, 2015. Collection method: clinical testing. Allele origin: unknown.

Literature cited by the submitters: PubMed 17576681 (cited by Labcorp Genetics (formerly Invitae), Labcorp); PubMed 9536098 (cited by Labcorp Genetics (formerly Invitae), Labcorp).

NM_015102.5(NPHP4):c.2304+6G>A

Gene: NPHP4 (nephrocystin 4; minus strand). Cytogenetic location: 1p36.31.
Variant type: single nucleotide variant.
Coding change: c.2304+6G>A on transcript NM_015102.5 (MANE Select); 6 bases into the intron after coding-DNA position 2304, G replaced by A.
Molecular consequence: intron variant.
Genome position (GRCh38, 1-based): chr1:5,890,862, C>T on the plus strand (G>A on the coding strand, the complement: NPHP4 is on the minus strand). VCF-style: chr1-5890862-C-T. GRCh37 (hg19) VCF-style: chr1-5950922-C-T.
Other names: c.768+6G>A (NM_001291594.2); c.765+6G>A (NM_001291593.2); c.2304+6G>A (NM_015102.4).
Identifiers: ClinVar variation 1054514 (VCV001054514.7), dbSNP rs751418752, ClinGen allele CA554209.